The following is an entry in ClinVar:

NM_018082.6(POLR3B):c.3269G>T (p.Gly1090Val)

Genes: POLR3B (RNA polymerase III subunit B; plus strand), RFX4-AS1 (RFX4 antisense RNA 1; minus strand). Cytogenetic location: 12q23.3.
Variant type: single nucleotide variant.
Coding change: c.3269G>T on transcript NM_018082.6 (MANE Select); coding-DNA position 3269, G replaced by T.
Protein change: p.Gly1090Val; replaces glycine 1090 with valine.
Molecular consequence: missense variant.
Genome position (GRCh38, 1-based): chr12:106,504,251, G>T. VCF-style: chr12-106504251-G-T. GRCh37 (hg19) VCF-style: chr12-106898029-G-T.
Other names: p.Gly1090Val; c.3095G>T, p.Gly1032Val (NM_001160708.2); short protein forms G1090V, G1032V.
Identifiers: ClinVar variation 426267 (VCV000426267.4), dbSNP rs770376797, ClinGen allele CA6762432.

ClinVar aggregate classification (germline): Uncertain significance. Review status: criteria provided, multiple submitters, no conflicts (2 of 4 stars). 3 submissions from 3 submitters: Uncertain significance (3). Last evaluated 2025-12-06.

Conditions:
Inborn genetic diseases. Identifiers: MedGen C0950123, MeSH D030342.

Allele frequency attached by ClinVar (database versions not stated): gnomAD exomes 0.00016 and 0.00003; ExAC 0.00003; TOPMed 0.00003; gnomAD 0.00004.
gnomAD v4.1: 235 of 1,612,766 alleles (0.015%); highest among the groups gnomAD compares: Non-Finnish European, 0.02%; no homozygotes.

Submissions (3):

Mayo Clinic Laboratories, Mayo Clinic
Classification: Uncertain significance. Last evaluated: 2025-12-06. Review status: criteria provided, single submitter. Criteria: ACMG Guidelines, 2015. Collection method: clinical testing. Allele origin: germline. Observed: 1 variant allele.
Comment: PP3_moderate

Ambry Genetics
Classification: Uncertain significance for Inborn genetic diseases. Last evaluated: 2024-04-15. Review status: criteria provided, single submitter. Criteria: Ambry Variant Classification Scheme 2023. Collection method: clinical testing. Allele origin: germline.

GeneDx
Classification: Uncertain significance. Last evaluated: 2017-04-24. Review status: criteria provided, single submitter. Criteria: GeneDx Variant Classification (06012015). Collection method: clinical testing. Allele origin: germline. Affected: yes.
Comment: The G1090V variant in the POLR3B gene has not been reported previously as a pathogenic variant, nor as a benign variant, to our knowledge. The G1090V variant is not observed at a significant frequency in large population cohorts (Lek et al., 2016; 1000 Genomes Consortium et al., 2015; Exome Variant Server). The G1090V variant is a conservative amino acid substitution, which is not likely to impact secondary protein structure as these residues share similar properties. This substitution occurs at a position that is conserved across species, and in silico analysis predicts this variant is probably damaging to the protein structure/function. We interpret G1090V as a variant of uncertain significance.